The following is an entry in ClinVar:

NM_022114.4(PRDM16):c.2290G>A (p.Val764Met)

Gene: PRDM16 (PR/SET domain 16; plus strand). Cytogenetic location: 1p36.32.
Variant type: single nucleotide variant.
Coding change: c.2290G>A on transcript NM_022114.4 (MANE Select); coding-DNA position 2290, G replaced by A.
Protein change: p.Val764Met; replaces valine 764 with methionine.
Molecular consequence: missense variant.
Genome position (GRCh38, 1-based): chr1:3,412,487, G>A. VCF-style: chr1-3412487-G-A. GRCh37 (hg19) VCF-style: chr1-3329051-G-A.
Other names: c.2290G>A, p.Val764Met (NM_199454.3); short protein forms V764M.
Identifiers: ClinVar variation 229162 (VCV000229162.38), dbSNP rs149333409, ClinGen allele CA544438.

ClinVar aggregate classification (germline): Conflicting classifications of pathogenicity. Review status: criteria provided, conflicting classifications (1 of 4 stars). 13 submissions from 13 submitters: Uncertain significance (1); Benign (1); Likely benign (6). 5 of the submissions do not count toward it. Last evaluated 2026-01-21.

Conditions:
Inborn genetic diseases. Identifiers: MedGen C0950123, MeSH D030342.
PRDM16-related disorder. Also called: PRDM16-related condition.
Left ventricular noncompaction 8 (LVNC8). Identifiers: Orphanet 154, Orphanet 54260, MedGen C3809288, MONDO:0014152, OMIM 615373.

Allele frequency attached by ClinVar (database versions not stated): 1000 Genomes Project 30x 0.00078; 1000 Genomes Project 0.00080; TOPMed 0.00116; gnomAD 0.00117; ExAC 0.00122; gnomAD exomes 0.00122 and 0.00171; ESP Exome Variant Server 0.00162.
gnomAD v4.1: 2,669 of 1,613,312 alleles (0.17%); highest among the groups gnomAD compares: Non-Finnish European, 0.2%; 5 homozygotes.

Submissions (13):

Labcorp Genetics (formerly Invitae), Labcorp
Classification: Likely benign for Left ventricular noncompaction 8. Last evaluated: 2026-01-21. Review status: criteria provided, single submitter. Criteria: Invitae Variant Classification Sherloc (09022015). Collection method: clinical testing. Allele origin: germline.

CeGaT Center for Human Genetics Tuebingen
Classification: Likely benign. Last evaluated: 2025-11-01. Review status: criteria provided, single submitter. Criteria: CeGaT Center For Human Genetics Tuebingen Variant Classification Criteria Version 2. Collection method: clinical testing. Allele origin: germline. Affected: yes. Observed: 2 variant alleles.
Comment: PRDM16: BP4, BS1

ARUP Laboratories, Molecular Genetics and Genomics, ARUP Laboratories
Classification: Likely benign. Last evaluated: 2025-04-22. Review status: criteria provided, single submitter. Criteria: ARUP Molecular Germline Variant Investigation Process 2024. Collection method: clinical testing. Allele origin: germline.

Blueprint Genetics
Classification: Likely benign. Last evaluated: 2024-10-17. Review status: criteria provided, single submitter. Criteria: ACMG Guidelines, 2015. Collection method: clinical testing. Allele origin: germline.

Ambry Genetics
Classification: Uncertain significance for Inborn genetic diseases. Last evaluated: 2023-12-28. Review status: criteria provided, single submitter. Criteria: Ambry Variant Classification Scheme 2023. Collection method: clinical testing. Allele origin: germline.

Women's Health and Genetics/Laboratory Corporation of America, LabCorp
Classification: Likely benign. Last evaluated: 2023-07-29. Review status: criteria provided, single submitter. Criteria: LabCorp Variant Classification Summary - May 2015. Collection method: clinical testing. Allele origin: germline.

GeneDx
Classification: Likely benign. Last evaluated: 2020-08-28. Review status: criteria provided, single submitter. Criteria: GeneDx Variant Classification Process June 2021. Collection method: clinical testing. Allele origin: germline. Affected: yes.

Laboratory for Molecular Medicine, Mass General Brigham Personalized Medicine
Classification: Benign. Last evaluated: 2018-07-13. Review status: criteria provided, single submitter. Criteria: LMM Criteria. Collection method: clinical testing. Allele origin: germline. Observed: 4 variant alleles.
Comment: The p.Val764Met variant in PRDM16 is classified as benign because it has been id entified in 0.2% (257/126116) of European chromosomes by the Genome Aggregation Database (gnomAD). Additionally, computationa l prediction tools and conservation analysis suggest that the p.Val764Met varian t may not impact the protein. ACMG/AMP Criteria applied: BA1, BP4.

PreventionGenetics, part of Exact Sciences
Classification: Likely benign for PRDM16-related condition. Last evaluated: 2020-03-09. Review status: no assertion criteria provided. Collection method: clinical testing. Allele origin: germline. Not counted in ClinVar's aggregate classification.
Comment: This variant is classified as likely benign based on ACMG/AMP sequence variant interpretation guidelines (Richards et al. 2015 PMID: 25741868, with internal and published modifications).

Clinical Genetics DNA and cytogenetics Diagnostics Lab, Erasmus MC, Erasmus Medical Center
Classification: Likely benign. Review status: no assertion criteria provided. Collection method: clinical testing. Allele origin: germline. Affected: yes. Study: VKGL Data-share Consensus. Not counted in ClinVar's aggregate classification.

Clinical Genetics, Academic Medical Center
Classification: Benign. Review status: no assertion criteria provided. Collection method: clinical testing. Allele origin: germline. Affected: yes. Study: VKGL Data-share Consensus. Not counted in ClinVar's aggregate classification.

Diagnostic Laboratory, Department of Genetics, University Medical Center Groningen
Classification: Likely benign. Review status: no assertion criteria provided. Collection method: clinical testing. Allele origin: germline. Affected: yes. Study: VKGL Data-share Consensus. Not counted in ClinVar's aggregate classification.

Joint Genome Diagnostic Labs from Nijmegen and Maastricht, Radboudumc and MUMC+
Classification: Likely benign. Review status: no assertion criteria provided. Collection method: clinical testing. Allele origin: germline. Affected: yes. Study: VKGL Data-share Consensus. Not counted in ClinVar's aggregate classification.